The following is an entry in ClinVar:

NM_032119.4(ADGRV1):c.10345_10366del (p.Pro3449fs)

Gene: ADGRV1 (adhesion G protein-coupled receptor V1; plus strand). Cytogenetic location: 5q14.3.
Variant type: Deletion.
Coding change: c.10345_10366del on transcript NM_032119.4 (MANE Select); coding-DNA positions 10345 to 10366, 22 bases deleted (CCTGTCAGTGGGACAACAGAAG).
Protein change: p.Pro3449fs; shifts the reading frame from proline 3449.
Molecular consequence: frameshift variant. On other transcripts: non-coding transcript variant (1).
Genome position (GRCh38, 1-based): chr5:90,728,852-90,728,873, CCTGTCAGTGGGACAACAGAAG deleted; deleting any 22 consecutive bases within chr5:90,728,851-90,728,873 gives the same sequence; the c. name uses the placement nearest the transcript's 3' end. VCF-style (leftmost placement, unchanged base first): chr5-90728850-TGCCTGTCAGTGGGACAACAGAA-T. GRCh37 (hg19) VCF-style: chr5-90024667-TGCCTGTCAGTGGGACAACAGAA-T.
Other names: short protein forms P3449fs.
Identifiers: ClinVar variation 2752144 (VCV002752144.3), dbSNP rs2531367728, ClinGen allele CA2697546243.

ClinVar aggregate classification (germline): Pathogenic (1 of 4 stars; one submission).

Submission:

Labcorp Genetics (formerly Invitae), Labcorp
Classification: Pathogenic. Last evaluated: 2023-08-30. Review status: criteria provided, single submitter. Criteria: Invitae Variant Classification Sherloc (09022015). Collection method: clinical testing. Allele origin: germline.
Comment: This sequence change creates a premature translational stop signal (p.Pro3449Leufs*12) in the ADGRV1 gene. It is expected to result in an absent or disrupted protein product. Loss-of-function variants in ADGRV1 are known to be pathogenic (PMID: 19357117, 22135276, 22147658, 26226137, 30718709, 31047384, 32467589). This variant is not present in population databases (gnomAD no frequency). This variant has not been reported in the literature in individuals affected with ADGRV1-related conditions. For these reasons, this variant has been classified as Pathogenic.

Literature cited by the submitters: PubMed 19357117; PubMed 22135276; PubMed 22147658; PubMed 26226137; PubMed 30718709; PubMed 31047384; PubMed 32467589.